The following is an entry in ClinVar:

NM_003640.5(ELP1):c.1829C>T (p.Thr610Ile)

Gene: ELP1 (elongator acetyltransferase complex subunit 1; minus strand). Cytogenetic location: 9q31.3.
Variant type: single nucleotide variant.
Coding change: c.1829C>T on transcript NM_003640.5 (MANE Select); coding-DNA position 1829, C replaced by T.
Protein change: p.Thr610Ile; replaces threonine 610 with isoleucine.
Molecular consequence: missense variant.
Genome position (GRCh38, 1-based): chr9:108,902,864, G>A on the plus strand (C>T on the coding strand, the complement: ELP1 is on the minus strand). VCF-style: chr9-108902864-G-A. GRCh37 (hg19) VCF-style: chr9-111665144-G-A.
Other names: c.1487C>T, p.Thr496Ile (NM_001318360.2); c.782C>T, p.Thr261Ile (NM_001330749.2); short protein forms T261I, T496I, T610I.
Identifiers: ClinVar variation 1007443 (VCV001007443.6), dbSNP rs1034282177, ClinGen allele CA197538479.
Genomic context (GRCh38, chr9:108,902,864, plus strand): 5'-ACTTTAAGTAAATTTCCTGCTCCGTGTTCACCTACCTCTTCTCCAATCATGGCCAATTCG[G>A]TCTGGGTGCATGGATAAGGAAACCGAACAGGAAATCCACCAGAGTTCTTCCATGGTTTAA-3'
Protein context (NP_003631.2, residues 600-620): PVRFPYPCTQ[Thr610Ile]ELAMIGEEEC

ClinVar aggregate classification (germline): Uncertain significance (1 of 4 stars; one submission).

Allele frequency attached by ClinVar (database versions not stated): TOPMed below 0.00001.

Submission:

Labcorp Genetics (formerly Invitae), Labcorp
Classification: Uncertain significance. Last evaluated: 2021-09-01. Review status: criteria provided, single submitter. Criteria: Invitae Variant Classification Sherloc (09022015). Collection method: clinical testing. Allele origin: germline.
Comment: This sequence change replaces threonine with isoleucine at codon 610 of the ELP1 protein (p.Thr610Ile). The threonine residue is moderately conserved and there is a moderate physicochemical difference between threonine and isoleucine. This variant is not present in population databases (ExAC no frequency). This variant has not been reported in the literature in individuals affected with ELP1-related conditions. Algorithms developed to predict the effect of missense changes on protein structure and function output the following: SIFT: "Tolerated"; PolyPhen-2: "Benign"; Align-GVGD: "Class C0". The isoleucine amino acid residue is found in multiple mammalian species, which suggests that this missense change does not adversely affect protein function. In summary, the available evidence is currently insufficient to determine the role of this variant in disease. Therefore, it has been classified as a Variant of Uncertain Significance.